The following is an entry in ClinVar:

NM_175875.5(SIX5):c.224A>T (p.Glu75Val)

Genes: DM1-AS (DM1 locus antisense RNA; plus strand), SIX5 (SIX homeobox 5; minus strand), LOC107075317 (origin of replication in DMPK trinucleotide repeat region; plus strand), LOC129929037 (ATAC-STARR-seq lymphoblastoid silent region 10794; plus strand). Cytogenetic location: 19q13.32.
Variant type: single nucleotide variant.
Coding change: c.224A>T on transcript NM_175875.5 (MANE Select); coding-DNA position 224, A replaced by T.
Protein change: p.Glu75Val; replaces glutamic acid 75 with valine.
Molecular consequence: missense variant.
Genome position (GRCh38, 1-based): chr19:45,768,621, T>A on the plus strand (A>T on the coding strand, the complement: SIX5 is on the minus strand). VCF-style: chr19-45768621-T-A. GRCh37 (hg19) VCF-style: chr19-46271879-T-A.
Other names: c.224A>T (NM_175875.4); short protein forms E75V.
Identifiers: ClinVar variation 2083786 (VCV002083786.7), dbSNP rs899825113, ClinGen allele CA309001747.

ClinVar aggregate classification (germline): Uncertain significance. Review status: criteria provided, multiple submitters, no conflicts (2 of 4 stars). 3 submissions from 3 submitters: Uncertain significance (3). Last evaluated 2025-10-19.

Conditions:
SIX5-related disorder. Also called: SIX5-related condition.

Allele frequency attached by ClinVar (database versions not stated): gnomAD exomes 0.00003; gnomAD 0.00017; TOPMed 0.00019.

Submissions (3):

Labcorp Genetics (formerly Invitae), Labcorp
Classification: Uncertain significance. Last evaluated: 2025-10-19. Review status: criteria provided, single submitter. Criteria: Invitae Variant Classification Sherloc (09022015). Collection method: clinical testing. Allele origin: germline.
Comment: This sequence change replaces glutamic acid, which is acidic and polar, with valine, which is neutral and non-polar, at codon 75 of the SIX5 protein (p.Glu75Val). This variant is present in population databases (no rsID available, gnomAD 0.02%). This variant has not been reported in the literature in individuals affected with SIX5-related conditions. ClinVar contains an entry for this variant (Variation ID: 2083786). Invitae Evidence Modeling of protein sequence and biophysical properties (such as structural, functional, and spatial information, amino acid conservation, physicochemical variation, residue mobility, and thermodynamic stability) indicates that this missense variant is not expected to disrupt SIX5 protein function with a negative predictive value of 80%. In summary, the available evidence is currently insufficient to determine the role of this variant in disease. Therefore, it has been classified as a Variant of Uncertain Significance.

PreventionGenetics, part of Exact Sciences
Classification: Uncertain significance for SIX5-related condition. Last evaluated: 2025-07-01. Review status: criteria provided, single submitter. Criteria: ACMG Guidelines, 2015. Collection method: clinical testing. Allele origin: germline.
Comment: The SIX5 c.224A>T variant is predicted to result in the amino acid substitution p.Glu75Val. To our knowledge, this variant has not been reported in the literature. This variant is reported in 0.035% of alleles in individuals of African descent in gnomAD. At this time, the clinical significance of this variant is uncertain due to the absence of conclusive functional and genetic evidence.

Ambry Genetics
Classification: Uncertain significance. Last evaluated: 2023-10-05. Review status: criteria provided, single submitter. Criteria: Ambry Variant Classification Scheme 2023. Collection method: clinical testing. Allele origin: germline.